The following is an entry in ClinVar:

ClinVar aggregate classification (germline): Likely pathogenic (1 of 4 stars; one submission).

Submission:

Quest Diagnostics Nichols Institute San Juan Capistrano
Classification: Likely pathogenic. Last evaluated: 2023-02-28. Review status: criteria provided, single submitter. Criteria: ACMG/ClinGen CNV Guidelines, 2019. Collection method: clinical testing. Allele origin: unknown.
Comment: This loss involves multiple protein-coding genes. Heterozygous truncating variants of LOX are associated with autosomal dominant thoracic aortic aneurysm-10 (AAT10; OMIM 617168), with reduced penetrance and/or variable expressivity (Van Gucht 2021, Guo 2016, Renner 2019, Wolford 2019, Bertoli-Avella 2021, Cirnu 2021, Rehm 2015). As emerging medical literature suggests that copy number losses of this interval are associated with a clinical phenotype, and there are no similar copy number losses of this region in the general populations of the Database of Genomic Variants, this copy number variant (CNV) is classified as likely pathogenic. References: Bertoli-Avella et al., Eur J Hum Genet. 2021 Jan;29(1):141-153. PMID: 32860008 Cirnu et al., Circ Genom Precis Med. 2021 Feb;14(1):e003217. PMID: 33517666 Guo et al., Circ Res. 2016 Mar 18;118(6):928-34. PMID: 26838787 Rehm et al., N Engl J Med. 2015 Jun 4;372(23):2235-42. PMID: 26014595 Renner et al., Genet Med. 2019 Aug;21(8):1832-1841. PMID: 30675029 Van Gucht et al., Int J Mol Sci. 2021 Jul 1;22(13):7111. PMID: 34281165 Wolford et al., Circ Genom Precis Med. 2019 Jun;12(6):e002476. PMID: 31211624

GRCh37/hg19 5q23.1-23.2(chr5:119452524-121673870)x1

Genes: FTMT (ferritin mitochondrial; plus strand), LOX (lysyl oxidase; minus strand), PRR16 (proline rich 16; plus strand), SNCAIP (synuclein alpha interacting protein; plus strand), SRFBP1 (serum response factor binding protein 1; plus strand) and 1 more. Cytogenetic location: 5q23.1-23.2.
Variant type: copy number loss.
Change: copy number 1 (one copy instead of two) of chr5:119,452,524-121,673,870 (2.22 Mb, GRCh37 coordinates, 1-based), cytogenetic band 5q23.1-23.2.
Identifiers: ClinVar variation 2685169 (VCV002685169.1).